The following is an entry in ClinVar:

NM_004082.5(DCTN1):c.3558G>A (p.Met1186Ile)

Gene: DCTN1 (dynactin subunit 1; minus strand). Cytogenetic location: 2p13.1.
Variant type: single nucleotide variant.
Coding change: c.3558G>A on transcript NM_004082.5 (MANE Select); coding-DNA position 3558, G replaced by A.
Protein change: p.Met1186Ile; replaces methionine 1186 with isoleucine.
Molecular consequence: missense variant. On other transcripts: non-coding transcript variant (1).
Genome position (GRCh38, 1-based): chr2:74,362,701, C>T on the plus strand (G>A on the coding strand, the complement: DCTN1 is on the minus strand). VCF-style: chr2-74362701-C-T. GRCh37 (hg19) VCF-style: chr2-74589828-C-T.
Other names: c.3483G>A, p.Met1161Ile (NM_001135040.3); c.3141G>A, p.Met1047Ile (NM_001135041.3); c.3432G>A, p.Met1144Ile (NM_001190836.2); c.3537G>A, p.Met1179Ile (NM_001190837.2); c.3507G>A, p.Met1169Ile (NM_001378991.1); c.3489G>A, p.Met1163Ile (NM_001378992.1); c.3156G>A, p.Met1052Ile (NM_023019.4); short protein forms M1052I, M1186I, M1144I, M1047I, M1161I, M1179I, M1163I, M1169I.
Identifiers: ClinVar variation 536160 (VCV000536160.20), dbSNP rs200834352, ClinGen allele CA1721440.
Genomic context (GRCh38, chr2:74,362,701, plus strand): 5'-TGAGCTGACCTTGAGCTTCTCGACGGTGTCACTCAGGGACTTAAGCTGAGCCACTTGCTC[C>T]ATAAGTTGGGCCGACGGGCTCTTGGCAGCTGTGGGGAGAGAAAGCTGGTGAGGCCCACCA-3'
Protein context (NP_004073.2, residues 1176-1196): PAAKSPSAQL[Met1186Ile]EQVAQLKSLS

ClinVar aggregate classification (germline): Conflicting classifications of pathogenicity. Review status: criteria provided, conflicting classifications (1 of 4 stars). 5 submissions from 5 submitters: Uncertain significance (2); Likely benign (1). 2 of the submissions do not count toward it. Last evaluated 2026-01-18.

Conditions:
Charcot-Marie-Tooth disease. Also called: Charcot-Marie-Tooth Neuropathy; Charcot-Marie-Tooth Hereditary Neuropathy. Identifiers: Orphanet 166, MedGen C0007959, MONDO:0015626.
DCTN1-related disorder. Also called: DCTN1-related condition.
Inborn genetic diseases. Identifiers: MedGen C0950123, MeSH D030342.
Amyotrophic lateral sclerosis type 1 (ALS1). Also called: AMYOTROPHIC LATERAL SCLEROSIS 1, FAMILIAL. Identifiers: Orphanet 803, MedGen C1862939, MONDO:0007103, OMIM 105400.
Neuronopathy, distal hereditary motor, type 7B. Also called: HMN VIIB; LOWER MOTOR NEURON DISEASE, DYNACTIN TYPE; Distal Hereditary Motor Neuronopathy Type 7B (dHMN7B); NEURONOPATHY, DISTAL HEREDITARY MOTOR, AUTOSOMAL DOMINANT 14; NEURONOPATHY, DISTAL HEREDITARY MOTOR, HARDING TYPE VIIB; NEUROPATHY, DISTAL HEREDITARY MOTOR, HARDING TYPE VIIB. Identifiers: Orphanet 139589, MedGen C1843315, MONDO:0011879, OMIM 607641.
Perry syndrome. Also called: PARKINSONISM WITH ALVEOLAR HYPOVENTILATION AND MENTAL DEPRESSION. Identifiers: Orphanet 178509, MedGen C1868594, MONDO:0008201, OMIM 168605.

Allele frequency attached by ClinVar (database versions not stated): gnomAD 0.00008 and 0.00009; gnomAD exomes 0.00008 and 0.00015; TOPMed 0.00009; ExAC 0.00011; ESP Exome Variant Server 0.00023.

Submissions (5):

Labcorp Genetics (formerly Invitae), Labcorp
Classification: Likely benign for Amyotrophic lateral sclerosis type 1; Neuronopathy, distal hereditary motor, type 7B; Perry syndrome. Last evaluated: 2026-01-18. Review status: criteria provided, single submitter. Criteria: Invitae Variant Classification Sherloc (09022015). Collection method: clinical testing. Allele origin: germline.

Department of Pathology and Laboratory Medicine, Sinai Health System
Classification: Uncertain significance for Neuronopathy, distal hereditary motor, type 7B. Last evaluated: 2022-12-05. Review status: criteria provided, single submitter. Criteria: ACMG Guidelines, 2015. Collection method: research. Allele origin: germline.

Ambry Genetics
Classification: Uncertain significance for Inborn genetic diseases. Last evaluated: 2019-09-26. Review status: criteria provided, single submitter. Criteria: Ambry Variant Classification Scheme 2023. Collection method: clinical testing. Allele origin: germline.
Comment: The p.M1186I variant (also known as c.3558G>A), located in coding exon 30 of the DCTN1 gene, results from a G to A substitution at nucleotide position 3558. The methionine at codon 1186 is replaced by isoleucine, an amino acid with highly similar properties. This amino acid position is poorly conserved in available vertebrate species. In addition, this alteration is predicted to be tolerated by in silico analysis. Since supporting evidence is limited at this time, the clinical significance of this alteration remains unclear.

PreventionGenetics, part of Exact Sciences
Classification: Likely benign for DCTN1-related condition. Last evaluated: 2022-04-05. Review status: no assertion criteria provided. Collection method: clinical testing. Allele origin: germline. Not counted in ClinVar's aggregate classification.
Comment: This variant is classified as likely benign based on ACMG/AMP sequence variant interpretation guidelines (Richards et al. 2015 PMID: 25741868, with internal and published modifications).

Inherited Neuropathy Consortium
Classification: Likely pathogenic for Charcot-Marie-Tooth disease. Review status: no assertion criteria provided. Collection method: provider interpretation. Allele origin: inherited. Affected: yes. Not counted in ClinVar's aggregate classification.